The following is an entry in ClinVar:

ClinVar aggregate classification (germline): Uncertain significance. Review status: criteria provided, multiple submitters, no conflicts (2 of 4 stars). 2 submissions from 2 submitters: Uncertain significance (2). Last evaluated 2026-01-27.

gnomAD v4.1: 22 of 1,612,514 alleles (0.0014%); highest among the groups gnomAD compares: African/African-American, 0.025%; no homozygotes.

Submissions (2):

Labcorp Genetics (formerly Invitae), Labcorp
Classification: Uncertain significance. Last evaluated: 2026-01-27. Review status: criteria provided, single submitter. Criteria: Invitae Variant Classification Sherloc (09022015). Collection method: clinical testing. Allele origin: germline.
Comment: This sequence change replaces asparagine, which is neutral and polar, with aspartic acid, which is acidic and polar, at codon 2036 of the SORL1 protein (p.Asn2036Asp). This variant is present in population databases (rs553344872, gnomAD 0.04%). This variant has not been reported in the literature in individuals affected with SORL1-related conditions. An algorithm developed to predict the effect of missense changes on protein structure and function (PolyPhen-2) suggests that this variant is likely to be tolerated. In summary, the available evidence is currently insufficient to determine the role of this variant in disease. Therefore, it has been classified as a Variant of Uncertain Significance.

Ambry Genetics
Classification: Uncertain significance. Last evaluated: 2025-12-08. Review status: criteria provided, single submitter. Criteria: Ambry Variant Classification Scheme 2023. Collection method: clinical testing. Allele origin: germline.

NM_003105.6(SORL1):c.6106A>G (p.Asn2036Asp)

Gene: SORL1 (sortilin related receptor 1; plus strand). Cytogenetic location: 11q24.1.
Variant type: single nucleotide variant.
Coding change: c.6106A>G on transcript NM_003105.6 (MANE Select); coding-DNA position 6106, A replaced by G.
Protein change: p.Asn2036Asp; replaces asparagine 2036 with aspartic acid.
Molecular consequence: missense variant.
Genome position (GRCh38, 1-based): chr11:121,622,203, A>G. VCF-style: chr11-121622203-A-G. GRCh37 (hg19) VCF-style: chr11-121492912-A-G.
Other names: short protein forms N2036D.
Identifiers: ClinVar variation 4587850 (VCV004587850.2).